The following is an entry in ClinVar:

ClinVar aggregate classification (germline): Conflicting classifications of pathogenicity. Review status: criteria provided, conflicting classifications (1 of 4 stars). 2 submissions from 2 submitters: Uncertain significance (1); Likely benign (1). Last evaluated 2025-04-21.

Conditions:
Hereditary cancer-predisposing syndrome. Also called: Neoplastic Syndromes, Hereditary; Hereditary neoplastic syndrome; Hereditary Cancer Syndrome; Tumor predisposition. Identifiers: Orphanet 140162, MedGen C0027672, MeSH D009386, MONDO:0015356.
Microcephaly, normal intelligence and immunodeficiency (NBS). Also called: Nijmegen breakage syndrome; IMMUNODEFICIENCY, MICROCEPHALY, AND CHROMOSOMAL INSTABILITY; Immunodeficiency, microcephaly with normal intelligence; Microcephaly with normal intelligence immunodeficiency and lymphoreticular malignancies; Nonsyndromal microcephaly autosomal recessive with normal intelligence; Seemanova syndrome 2. Identifiers: Orphanet 647, MedGen C0398791, MONDO:0009623, OMIM 251260.

Allele frequency attached by ClinVar (database versions not stated): gnomAD exomes below 0.00001; ExAC 0.00001; gnomAD 0.00001; 1000 Genomes Project 30x 0.00016; 1000 Genomes Project 0.00020.
gnomAD v4.1: 2 of 1,613,300 alleles (0.00012%); highest among the groups gnomAD compares: African/African-American, 0.0013%; no homozygotes.

Submissions (2):

Labcorp Genetics (formerly Invitae), Labcorp
Classification: Uncertain significance for Microcephaly, normal intelligence and immunodeficiency. Last evaluated: 2025-04-21. Review status: criteria provided, single submitter. Criteria: Invitae Variant Classification Sherloc (09022015). Collection method: clinical testing. Allele origin: germline.
Comment: This sequence change replaces aspartic acid, which is acidic and polar, with glycine, which is neutral and non-polar, at codon 601 of the NBN protein (p.Asp601Gly). This variant is not present in population databases (gnomAD no frequency). This variant has not been reported in the literature in individuals affected with NBN-related conditions. ClinVar contains an entry for this variant (Variation ID: 946895). An algorithm developed to predict the effect of missense changes on protein structure and function outputs the following: PolyPhen-2: "Benign". The glycine amino acid residue is found in multiple mammalian species, which suggests that this missense change does not adversely affect protein function. In summary, the available evidence is currently insufficient to determine the role of this variant in disease. Therefore, it has been classified as a Variant of Uncertain Significance.

Ambry Genetics
Classification: Likely benign for Hereditary cancer-predisposing syndrome. Last evaluated: 2020-09-25. Review status: criteria provided, single submitter. Criteria: Ambry Variant Classification Scheme 2023. Collection method: clinical testing. Allele origin: germline.

Literature cited by the submitters: PubMed 25186627 (cited by Ambry Genetics).

NM_002485.5(NBN):c.1802A>G (p.Asp601Gly)

Gene: NBN (nibrin; minus strand). Cytogenetic location: 8q21.3.
Variant type: single nucleotide variant.
Coding change: c.1802A>G on transcript NM_002485.5 (MANE Select); coding-DNA position 1802, A replaced by G.
Protein change: p.Asp601Gly; replaces aspartic acid 601 with glycine.
Molecular consequence: missense variant.
Genome position (GRCh38, 1-based): chr8:89,953,287, T>C on the plus strand (A>G on the coding strand, the complement: NBN is on the minus strand). VCF-style: chr8-89953287-T-C. GRCh37 (hg19) VCF-style: chr8-90965515-T-C.
Other names: c.1556A>G, p.Asp519Gly (NM_001024688.3); short protein forms D519G, D601G.
Identifiers: ClinVar variation 946895 (VCV000946895.8), dbSNP rs553571469, ClinGen allele CA4802683.